The following is an entry in ClinVar:

ClinVar aggregate classification (germline): Uncertain significance. Review status: criteria provided, multiple submitters, no conflicts (2 of 4 stars). 3 submissions from 3 submitters: Uncertain significance (2). 1 of the submissions does not count toward it. Last evaluated 2024-12-06.

Conditions:
MAGEL2-related disorder. Also called: MAGEL2-related condition.
Schaaf-Yang syndrome (SHFYNG). Also called: Arthrogryposis, distal, with hypopituitarism, intellectual disability, and facial anomalies; MAGEL2-related Prader-Willi-like syndrome. Identifiers: Orphanet 398069, MedGen C5575066, MONDO:0014243, OMIM 615547.
Inborn genetic diseases. Identifiers: MedGen C0950123, MeSH D030342.

Allele frequency attached by ClinVar (database versions not stated): gnomAD exomes below 0.00001.

Submissions (3):

Ambry Genetics
Classification: Uncertain significance for Inborn genetic diseases. Last evaluated: 2024-12-06. Review status: criteria provided, single submitter. Criteria: Ambry Variant Classification Scheme 2023. Collection method: clinical testing. Allele origin: germline.

Institute of Immunology and Genetics Kaiserslautern
Classification: Uncertain significance for Schaaf-Yang syndrome. Last evaluated: 2024-05-02. Review status: criteria provided, single submitter. Criteria: ACMG Guidelines, 2015. Collection method: clinical testing. Allele origin: germline. Affected: yes.
Comment: ACMG Criteria: PM2; Variant was found in heterozygous state

PreventionGenetics, part of Exact Sciences
Classification: Uncertain significance for MAGEL2-related condition. Last evaluated: 2024-02-21. Review status: no assertion criteria provided. Collection method: clinical testing. Allele origin: germline. Not counted in ClinVar's aggregate classification.
Comment: The MAGEL2 c.477G>A variant is predicted to result in the amino acid substitution p.Met159Ile. To our knowledge, this variant has not been reported in the literature or in a large population database, indicating this variant is rare. At this time, the clinical significance of this variant is uncertain due to the absence of conclusive functional and genetic evidence.

NM_019066.5(MAGEL2):c.477G>A (p.Met159Ile)

Gene: MAGEL2 (MAGE family member L2; minus strand). Cytogenetic location: 15q11.2.
Variant type: single nucleotide variant.
Coding change: c.477G>A on transcript NM_019066.5 (MANE Select); coding-DNA position 477, G replaced by A.
Protein change: p.Met159Ile; replaces methionine 159 with isoleucine.
Molecular consequence: missense variant.
Genome position (GRCh38, 1-based): chr15:23,647,266, C>T on the plus strand (G>A on the coding strand, the complement: MAGEL2 is on the minus strand). VCF-style: chr15-23647266-C-T. GRCh37 (hg19) VCF-style: chr15-23892413-C-T.
Other names: short protein forms M159I.
Identifiers: ClinVar variation 3048699 (VCV003048699.4), dbSNP rs1350172782, ClinGen allele CA391337146.